The following is an entry in ClinVar:

ClinVar aggregate classification (germline): Uncertain significance. Review status: criteria provided, multiple submitters, no conflicts (2 of 4 stars). 2 submissions from 2 submitters: Uncertain significance (2). Last evaluated 2025-08-03.

Conditions:
Dilated cardiomyopathy 1JJ (CMD1JJ). Identifiers: Orphanet 154, MedGen C3808935, MONDO:0014095, OMIM 615235.
Cardiovascular phenotype. Identifiers: MedGen CN230736.

Allele frequency attached by ClinVar (database versions not stated): gnomAD exomes 0.00001; ExAC 0.00002; gnomAD 0.00003; TOPMed 0.00003.
gnomAD v4.1: 19 of 1,612,274 alleles (0.0012%); highest among the groups gnomAD compares: Non-Finnish European, 0.0014%; no homozygotes.

Submissions (2):

Ambry Genetics
Classification: Uncertain significance for Cardiovascular phenotype. Last evaluated: 2025-08-03. Review status: criteria provided, single submitter. Criteria: Ambry Variant Classification Scheme 2023. Collection method: clinical testing. Allele origin: germline.
Comment: The p.T1118M variant (also known as c.3353C>T), located in coding exon 24 of the LAMA4 gene, results from a C to T substitution at nucleotide position 3353. The threonine at codon 1118 is replaced by methionine, an amino acid with similar properties. This amino acid position is conserved. In addition, this alteration is predicted to be tolerated by in silico analysis. Since supporting evidence is limited at this time, the clinical significance of this alteration remains unclear.

Labcorp Genetics (formerly Invitae), Labcorp
Classification: Uncertain significance for Dilated cardiomyopathy 1JJ. Last evaluated: 2025-03-19. Review status: criteria provided, single submitter. Criteria: Invitae Variant Classification Sherloc (09022015). Collection method: clinical testing. Allele origin: germline.
Comment: This sequence change replaces threonine, which is neutral and polar, with methionine, which is neutral and non-polar, at codon 1118 of the LAMA4 protein (p.Thr1118Met). The frequency data for this variant in the population databases is considered unreliable, as metrics indicate poor data quality at this position in the gnomAD database. This variant has not been reported in the literature in individuals affected with LAMA4-related conditions. ClinVar contains an entry for this variant (Variation ID: 2064200). Invitae Evidence Modeling of protein sequence and biophysical properties (such as structural, functional, and spatial information, amino acid conservation, physicochemical variation, residue mobility, and thermodynamic stability) indicates that this missense variant is not expected to disrupt LAMA4 protein function with a negative predictive value of 80%. In summary, the available evidence is currently insufficient to determine the role of this variant in disease. Therefore, it has been classified as a Variant of Uncertain Significance.

NM_001105206.3(LAMA4):c.3374C>T (p.Thr1125Met)

Gene: LAMA4 (laminin subunit alpha 4; minus strand). Cytogenetic location: 6q21.
Variant type: single nucleotide variant.
Coding change: c.3374C>T on transcript NM_001105206.3 (MANE Select); coding-DNA position 3374, C replaced by T.
Protein change: p.Thr1125Met; replaces threonine 1125 with methionine.
Molecular consequence: missense variant.
Genome position (GRCh38, 1-based): chr6:112,136,163, G>A on the plus strand (C>T on the coding strand, the complement: LAMA4 is on the minus strand). VCF-style: chr6-112136163-G-A. GRCh37 (hg19) VCF-style: chr6-112457365-G-A.
Other names: c.3353C>T, p.Thr1118Met (NM_001105207.3, NM_002290.5); short protein forms T1118M, T1125M.
Identifiers: ClinVar variation 2064200 (VCV002064200.8), dbSNP rs782447524, ClinGen allele CA3965230.
Genomic context (GRCh38, chr6:112,136,163, plus strand): 5'-CAAACTACAATGATTTGTACCTCATGGTATTTTGCATCATTAATTTGAGCTTTCTTTAAC[G>A]TATCTTCAAGATGCACAGGGCCACCGCTGAATCCAAAATCATAGAACACATGTAGGTAAC-3'
Protein context (NP_001098676.2, residues 1115-1135): FSGGPVHLED[Thr1125Met]LKKAQINDAK